The following is an entry in ClinVar:

NM_001371623.1(TCOF1):c.3404del (p.Gln1135fs)

Gene: TCOF1 (treacle ribosome biogenesis factor 1; plus strand). Cytogenetic location: 5q32.
Variant type: Deletion.
Coding change: c.3404del on transcript NM_001371623.1 (MANE Select); coding-DNA position 3404, one base deleted (A; older notation c.3404delA).
Protein change: p.Gln1135fs; shifts the reading frame from glutamine 1135.
Molecular consequence: frameshift variant.
Genome position (GRCh38, 1-based): chr5:150,392,063, A deleted. VCF-style (leftmost placement, unchanged base first): chr5-150392062-CA-C. GRCh37 (hg19) VCF-style: chr5-149771625-CA-C.
Other names: c.3173del, p.Gln1058fs (NM_000356.4, NM_001135245.2); c.3404del, p.Gln1135fs (NM_001135243.2); c.3290del, p.Gln1097fs (NM_001135244.2, NM_001195141.2); c.3170del, p.Gln1057fs (NM_001437406.1); short protein forms Q1058fs, Q1097fs, Q1057fs, Q1135fs.
Identifiers: ClinVar variation 4992153 (VCV004992153.1).

ClinVar aggregate classification (germline): Likely pathogenic (1 of 4 stars; one submission).

Conditions:
TCOF1-related disorder. Also called: TCOF1-related condition.

Submission:

PreventionGenetics, part of Exact Sciences
Classification: Likely pathogenic for TCOF1-related condition. Last evaluated: 2026-07-06. Review status: criteria provided, single submitter. Criteria: ACMG Guidelines, 2015. Collection method: clinical testing. Allele origin: germline.
Comment: The TCOF1 c.3404delA variant is predicted to result in a frameshift and premature protein termination (p.Gln1135Argfs*73). To our knowledge, this variant has not been reported in the literature or in a large population database (gnomAD), indicating this variant is rare. Frameshift variants in TCOF1 are expected to be pathogenic. This variant is interpreted as likely pathogenic.